The following is an entry in ClinVar:

NM_000465.4(BARD1):c.1349A>C (p.Asn450Thr)

Gene: BARD1 (BRCA1 associated RING domain 1; minus strand). Cytogenetic location: 2q35.
Variant type: single nucleotide variant.
Coding change: c.1349A>C on transcript NM_000465.4 (MANE Select); coding-DNA position 1349, A replaced by C.
Protein change: p.Asn450Thr; replaces asparagine 450 with threonine.
Molecular consequence: missense variant. On other transcripts: non-coding transcript variant (3), intron variant (3).
Genome position (GRCh38, 1-based): chr2:214,769,278, T>G on the plus strand (A>C on the coding strand, the complement: BARD1 is on the minus strand). VCF-style: chr2-214769278-T-G. GRCh37 (hg19) VCF-style: chr2-215634002-T-G.
Other names: c.1292A>C, p.Asn431Thr (NM_001282543.2); c.159-16723A>C (NM_001282548.2); c.216-16723A>C (NM_001282545.2); c.364+23019A>C (NM_001282549.2); short protein forms N431T, N450T.
Identifiers: ClinVar variation 3988348 (VCV003988348.1).

ClinVar aggregate classification (germline): Uncertain significance (1 of 4 stars; one submission).

Conditions:
Hereditary cancer-predisposing syndrome. Also called: Tumor predisposition; Hereditary neoplastic syndrome; Neoplastic Syndromes, Hereditary; Hereditary Cancer Syndrome. Identifiers: Orphanet 140162, MedGen C0027672, MeSH D009386, MONDO:0015356.

Submission:

Ambry Genetics
Classification: Uncertain significance for Hereditary cancer-predisposing syndrome. Last evaluated: 2025-04-01. Review status: criteria provided, single submitter. Criteria: Ambry Variant Classification Scheme 2023. Collection method: clinical testing. Allele origin: germline.
Comment: The p.N450T variant (also known as c.1349A>C), located in coding exon 5 of the BARD1 gene, results from an A to C substitution at nucleotide position 1349. The asparagine at codon 450 is replaced by threonine, an amino acid with similar properties. This amino acid position is conserved. In addition, this alteration is predicted to be tolerated by in silico analysis. Based on the available evidence, the clinical significance of this variant remains unclear.